The following is an entry in ClinVar:

NM_002972.4(SBF1):c.1431+5G>A

Gene: SBF1 (SET binding factor 1; minus strand). Cytogenetic location: 22q13.33.
Variant type: single nucleotide variant.
Coding change: c.1431+5G>A on transcript NM_002972.4 (MANE Select); 5 bases into the intron after coding-DNA position 1431, G replaced by A.
Molecular consequence: intron variant.
Genome position (GRCh38, 1-based): chr22:50,464,814, C>T on the plus strand (G>A on the coding strand, the complement: SBF1 is on the minus strand). VCF-style: chr22-50464814-C-T. GRCh37 (hg19) VCF-style: chr22-50903243-C-T.
Other names: c.1434+5G>A (NM_001365819.1); c.1431+5G>A (NM_002972.3).
Identifiers: ClinVar variation 2072364 (VCV002072364.2), dbSNP rs749969385, ClinGen allele CA10317676.
Genomic context (GRCh38, chr22:50,464,814, plus strand): 5'-AGGTGTGGGGCAGGGGCCCAGGGATCAAGGCGGTACGACGCCCTCCCGTCCTGCTACCCT[C>T]GTACGTTCTTGTAGAGCTGCTCTGCCAGTTCCTGGACGTGACGCAGGACACGCTGGGGGT-3'

ClinVar aggregate classification (germline): Conflicting classifications of pathogenicity. Review status: criteria provided, conflicting classifications (1 of 4 stars). 2 submissions from 2 submitters: Likely pathogenic (1); Uncertain significance (1). Last evaluated 2024-11-07.

Conditions:
Tip-toe gait. Also called: Toe walking. Identifiers: MedGen C0427144, HP:0030051.

Allele frequency attached by ClinVar (database versions not stated): ExAC 0.00003; gnomAD 0.00008; TOPMed 0.00008; gnomAD exomes 0.00001.
gnomAD v4.1: 28 of 1,613,436 alleles (0.0017%); highest among the groups gnomAD compares: African/African-American, 0.02%; no homozygotes.

Submissions (2):

Practice for Gait Abnormalities, David Pomarino, Competency Network Toe Walking C/o Practice Pomarino
Classification: Likely pathogenic for Tip-toe gait. Last evaluated: 2024-11-07. Review status: criteria provided, single submitter. Criteria: Pomarino et al. (Glob Med Genet. 2026). Collection method: clinical testing. Allele origin: germline. Affected: yes.

Labcorp Genetics (formerly Invitae), Labcorp
Classification: Uncertain significance. Last evaluated: 2022-06-24. Review status: criteria provided, single submitter. Criteria: Invitae Variant Classification Sherloc (09022015). Collection method: clinical testing. Allele origin: germline.
Comment: This sequence change falls in intron 13 of the SBF1 gene. It does not directly change the encoded amino acid sequence of the SBF1 protein. It affects a nucleotide within the consensus splice site. This variant is present in population databases (rs749969385, gnomAD 0.03%). This variant has not been reported in the literature in individuals affected with SBF1-related conditions. Variants that disrupt the consensus splice site are a relatively common cause of aberrant splicing (PMID: 17576681, 9536098). Algorithms developed to predict the effect of sequence changes on RNA splicing suggest that this variant may disrupt the consensus splice site. In summary, the available evidence is currently insufficient to determine the role of this variant in disease. Therefore, it has been classified as a Variant of Uncertain Significance.

Literature cited by the submitters: PubMed 17576681 (cited by Labcorp Genetics (formerly Invitae), Labcorp); PubMed 9536098 (cited by Labcorp Genetics (formerly Invitae), Labcorp).